The following is an entry in ClinVar:

ClinVar aggregate classification (germline): Uncertain significance (1 of 4 stars; one submission).

Conditions:
Episodic ataxia type 1 (EA1). Also called: MYOKYMIA WITH PERIODIC ATAXIA; PAROXYSMAL ATAXIA WITH NEUROMYOTONIA, HEREDITARY; Episodic ataxia/myokymia syndrome; ATAXIA, EPISODIC, WITH MYOKYMIA. Identifiers: Orphanet 37612, Orphanet 972, MedGen C1719788, MONDO:0008047, OMIM 160120.

Allele frequency attached by ClinVar (database versions not stated): ExAC 0.00002.

Submission:

Labcorp Genetics (formerly Invitae), Labcorp
Classification: Uncertain significance for Episodic ataxia type 1. Last evaluated: 2023-10-04. Review status: criteria provided, single submitter. Criteria: Invitae Variant Classification Sherloc (09022015). Collection method: clinical testing. Allele origin: germline.
Comment: This sequence change replaces alanine, which is neutral and non-polar, with serine, which is neutral and polar, at codon 14 of the KCNA1 protein (p.Ala14Ser). This variant is present in population databases (rs752293178, gnomAD 0.0009%). This variant has not been reported in the literature in individuals affected with KCNA1-related conditions. An algorithm developed to predict the effect of missense changes on protein structure and function (PolyPhen-2) suggests that this variant is likely to be tolerated. In summary, the available evidence is currently insufficient to determine the role of this variant in disease. Therefore, it has been classified as a Variant of Uncertain Significance.

NM_000217.3(KCNA1):c.40G>T (p.Ala14Ser)

Genes: KCNA1 (potassium voltage-gated channel subfamily A member 1; plus strand), LOC130007218 (ATAC-STARR-seq lymphoblastoid silent region 4155; plus strand). Cytogenetic location: 12p13.32.
Variant type: single nucleotide variant.
Coding change: c.40G>T on transcript NM_000217.3 (MANE Select); coding-DNA position 40, G replaced by T.
Protein change: p.Ala14Ser; replaces alanine 14 with serine.
Molecular consequence: missense variant.
Genome position (GRCh38, 1-based): chr12:4,911,418, G>T. VCF-style: chr12-4911418-G-T. GRCh37 (hg19) VCF-style: chr12-5020584-G-T.
Other names: short protein forms A14S.
Identifiers: ClinVar variation 2854855 (VCV002854855.3), dbSNP rs752293178, ClinGen allele CA6399331.